The following is an entry in ClinVar:

NM_004706.4(ARHGEF1):c.1157C>T (p.Ser386Leu)

Gene: ARHGEF1 (Rho guanine nucleotide exchange factor 1; plus strand). Cytogenetic location: 19q13.2.
Variant type: single nucleotide variant.
Coding change: c.1157C>T on transcript NM_004706.4 (MANE Select); coding-DNA position 1157, C replaced by T.
Protein change: p.Ser386Leu; replaces serine 386 with leucine.
Molecular consequence: missense variant.
Genome position (GRCh38, 1-based): chr19:41,898,477, C>T. VCF-style: chr19-41898477-C-T. GRCh37 (hg19) VCF-style: chr19-42402626-C-T.
Other names: c.1058C>T, p.Ser353Leu (NM_198977.2); c.1202C>T, p.Ser401Leu (NM_199002.2); c.1202C>T (NM_199002.1); short protein forms S386L, S353L, S401L.
Identifiers: ClinVar variation 1440064 (VCV001440064.7), dbSNP rs191166480, ClinGen allele CA9466307.

ClinVar aggregate classification (germline): Uncertain significance. Review status: criteria provided, multiple submitters, no conflicts (2 of 4 stars). 2 submissions from 2 submitters: Uncertain significance (2). Last evaluated 2026-02-02.

Allele frequency attached by ClinVar (database versions not stated): TOPMed 0.00010; gnomAD 0.00012 and 0.00015; ExAC 0.00017; 1000 Genomes Project 0.00020; 1000 Genomes Project 30x 0.00047.
gnomAD v4.1: 238 of 1,549,248 alleles (0.015%); highest among the groups gnomAD compares: Admixed American, 0.035%; 1 homozygote.

Submissions (2):

Labcorp Genetics (formerly Invitae), Labcorp
Classification: Uncertain significance. Last evaluated: 2026-02-02. Review status: criteria provided, single submitter. Criteria: Invitae Variant Classification Sherloc (09022015). Collection method: clinical testing. Allele origin: germline.
Comment: This sequence change replaces serine, which is neutral and polar, with leucine, which is neutral and non-polar, at codon 401 of the ARHGEF1 protein (p.Ser401Leu). This variant is present in population databases (rs191166480, gnomAD 0.02%). This variant has not been reported in the literature in individuals affected with ARHGEF1-related conditions. ClinVar contains an entry for this variant (Variation ID: 1440064). An algorithm developed to predict the effect of missense changes on protein structure and function outputs the following: PolyPhen-2: "Benign". The leucine amino acid residue is found in multiple mammalian species, which suggests that this missense change does not adversely affect protein function. In summary, the available evidence is currently insufficient to determine the role of this variant in disease. Therefore, it has been classified as a Variant of Uncertain Significance.

Ambry Genetics
Classification: Uncertain significance. Last evaluated: 2021-06-22. Review status: criteria provided, single submitter. Criteria: Ambry Variant Classification Scheme 2023. Collection method: clinical testing. Allele origin: germline.